The following is an entry in ClinVar:

ClinVar aggregate classification (germline): Pathogenic (1 of 4 stars; one submission).

Conditions:
Ehlers-Danlos syndrome, classic type, 1 (EDSCL1). Also called: EHLERS-DANLOS SYNDROME, GRAVIS TYPE; EHLERS-DANLOS SYNDROME, SEVERE CLASSIC TYPE; Ehlers-Danlos syndrome, type 1; Ehlers-Danlos Syndrome, Classic Type, COL5A1-Related; EDS I. Identifiers: MedGen C0268335, MONDO:0019567, OMIM 130000.
Osteogenesis imperfecta type I (OI1). Also called: OI, TYPE I; OSTEOGENESIS IMPERFECTA TARDA; OSTEOGENESIS IMPERFECTA WITH BLUE SCLERAE; Osteogenesis imperfecta type 1; Lobstein's Disease; Lobstein disease. Identifiers: Orphanet 216796, Orphanet 666, MedGen C0023931, MONDO:0008146, OMIM 166200. Disease mechanism: loss of function.

Submission:

Labcorp Genetics (formerly Invitae), Labcorp
Classification: Pathogenic for Osteogenesis imperfecta type I; Ehlers-Danlos syndrome, classic type, 1. Last evaluated: 2024-02-17. Review status: criteria provided, single submitter. Criteria: Invitae Variant Classification Sherloc (09022015). Collection method: clinical testing. Allele origin: germline.
Comment: This sequence change replaces glycine, which is neutral and non-polar, with aspartic acid, which is acidic and polar, at codon 646 of the COL1A2 protein (p.Gly646Asp). This variant is not present in population databases (gnomAD no frequency). This variant has not been reported in the literature in individuals affected with COL1A2-related conditions. Advanced modeling of protein sequence and biophysical properties (such as structural, functional, and spatial information, amino acid conservation, physicochemical variation, residue mobility, and thermodynamic stability) performed at Invitae indicates that this missense variant is expected to disrupt COL1A2 protein function with a positive predictive value of 95%. This variant disrupts the triple helix domain of COL1A2. Glycine residues within the Gly-Xaa-Yaa repeats of the triple helix domain are required for the structure and stability of fibrillar collagens (PMID: 7695699, 8218237, 19344236). In COL1A2, variants affecting these glycine residues are significantly enriched in individuals with disease (PMID: 9016532, 17078022) compared to the general population (ExAC). This variant disrupts the p.Gly646 amino acid residue in COL1A2. Other variant(s) that disrupt this residue have been observed in individuals with COL1A2-related conditions (PMID: 17078022, 32102151), which suggests that this may be a clinically significant amino acid residue. For these reasons, this variant has been classified as Pathogenic.

Literature cited by the submitters: PubMed 7695699; PubMed 8218237; PubMed 19344236; PubMed 9016532; PubMed 17078022; PubMed 32102151.

NM_000089.4(COL1A2):c.1937G>A (p.Gly646Asp)

Gene: COL1A2 (collagen type I alpha 2 chain; plus strand). Cytogenetic location: 7q21.3.
Variant type: single nucleotide variant.
Coding change: c.1937G>A on transcript NM_000089.4 (MANE Select); coding-DNA position 1937, G replaced by A.
Protein change: p.Gly646Asp; replaces glycine 646 with aspartic acid.
Molecular consequence: missense variant.
Genome position (GRCh38, 1-based): chr7:94,417,797, G>A. VCF-style: chr7-94417797-G-A. GRCh37 (hg19) VCF-style: chr7-94047109-G-A.
Other names: short protein forms G646D.
Identifiers: ClinVar variation 3754741 (VCV003754741.2).